The following is an entry in ClinVar:

ClinVar aggregate classification (germline): Uncertain significance. Review status: criteria provided, multiple submitters, no conflicts (2 of 4 stars). 3 submissions from 3 submitters: Uncertain significance (2). 1 of the submissions does not count toward it. Last evaluated 2018-01-13.

Conditions:
TBX3-related disorder. Also called: TBX3-related condition.
Ulnar-mammary syndrome (UMS). Also called: SCHINZEL SYNDROME; Ulnar-mammary syndrome of Pallister; PALLISTER ULNAR-MAMMARY SYNDROME. Identifiers: Orphanet 3138, MedGen C1866994, MONDO:0008411, OMIM 181450.

Allele frequency attached by ClinVar (database versions not stated): ExAC 0.00001; gnomAD exomes 0.00001; gnomAD 0.00004 and 0.00005; TOPMed 0.00004; ESP Exome Variant Server 0.00008.
gnomAD v4.1: 28 of 1,614,096 alleles (0.0017%); highest among the groups gnomAD compares: Non-Finnish European, 0.0024%; no homozygotes.

Submissions (3):

Illumina Laboratory Services, Illumina
Classification: Uncertain significance for Ulnar-mammary syndrome. Last evaluated: 2018-01-13. Review status: criteria provided, single submitter. Criteria: ICSL Variant Classification Criteria 13 December 2019. Collection method: clinical testing. Allele origin: germline.

Breakthrough Genomics
Classification: Uncertain significance. Review status: criteria provided, single submitter. Criteria: ACMG Guidelines, 2015. Collection method: not provided. Allele origin: germline. Inheritance: Autosomal dominant inheritance. Affected: yes.

PreventionGenetics, part of Exact Sciences
Classification: Likely benign for TBX3-related condition. Last evaluated: 2023-09-26. Review status: no assertion criteria provided. Collection method: clinical testing. Allele origin: germline. Not counted in ClinVar's aggregate classification.
Comment: This variant is classified as likely benign based on ACMG/AMP sequence variant interpretation guidelines (Richards et al. 2015 PMID: 25741868, with internal and published modifications).

NM_005996.4(TBX3):c.324G>A (p.Glu108=)

Genes: TBX3 (T-box transcription factor 3; minus strand), TBX3-AS1 (TBX3 antisense RNA 1; plus strand). Cytogenetic location: 12q24.21.
Variant type: single nucleotide variant.
Coding change: c.324G>A on transcript NM_005996.4 (MANE Select); coding-DNA position 324, G replaced by A.
Protein change: p.Glu108=; no amino-acid change (glutamic acid 108 retained).
Molecular consequence: synonymous variant.
Genome position (GRCh38, 1-based): chr12:114,682,877, C>T on the plus strand (G>A on the coding strand, the complement: TBX3 is on the minus strand). VCF-style: chr12-114682877-C-T. GRCh37 (hg19) VCF-style: chr12-115120682-C-T.
Other names: c.324G>A (NM_016569.3); c.324G>A, p.Glu108= (NM_016569.4).
Identifiers: ClinVar variation 307376 (VCV000307376.7), dbSNP rs367579046, ClinGen allele CA6810221.
Genomic context (GRCh38, chr12:114,682,877, plus strand): 5'-CGACTTGGTAATGACCATCTCGGTGCCCCGCTTGTGAAACTGATCCCAAAGTTCTTTAGC[C>T]TCCAGGTGCACCTTGGGGTCGTCCTCCACCTCTTCTTCGGGCTCCATGGTCTTCAAAGGC-3'
Protein context (NP_005987.3, residues 98-118): EVEDDPKVHL[Glu108=]AKELWDQFHK